The following is an entry in ClinVar:

ClinVar aggregate classification (germline): Uncertain significance. Review status: criteria provided, multiple submitters, no conflicts (2 of 4 stars). 12 submissions from 12 submitters: Uncertain significance (10). 2 of the submissions do not count toward it. Last evaluated 2026-01-17.

Conditions:
CHEK2-related cancer predisposition (TPDS4). Also called: CHEK2-related cancer susceptibility; TUMOR PREDISPOSITION SYNDROME 4; CANCER PREDISPOSITION SYNDROME, CHEK2-RELATED. Identifiers: Orphanet 524, MedGen C5882668, MONDO:0700271, OMIM 609265.
Familial prostate cancer. Also called: Hereditary Prostate Cancer. Identifiers: MedGen C2931456, MONDO:0700275, OMIM 176807.
Bone osteosarcoma. Also called: Osteosarcoma, somatic. Identifiers: Orphanet 668, MedGen C0585442, MONDO:0002629, OMIM 259500.
Hereditary cancer-predisposing syndrome. Also called: Hereditary Cancer Syndrome; Neoplastic Syndromes, Hereditary; Tumor predisposition; Hereditary neoplastic syndrome. Identifiers: Orphanet 140162, MedGen C0027672, MeSH D009386, MONDO:0015356.
Familial cancer of breast. Also called: Hereditary breast cancer; hereditary breast carcinoma; BREAST CANCER, FAMILIAL. Identifiers: Orphanet 227535, MedGen C0346153, MONDO:0016419, OMIM 114480. Disease mechanism: loss of function.
Malignant tumor of breast. Also called: Malignant breast neoplasm; Cancer breast. Identifiers: MedGen C0006142, MONDO:0007254. Disease mechanism: loss of function.

Allele frequency attached by ClinVar (database versions not stated): gnomAD exomes below 0.00001 and 0.00003; gnomAD 0.00001; ESP Exome Variant Server 0.00008; TOPMed 0.00002; ExAC 0.00003.
gnomAD v4.1: 39 of 1,613,854 alleles (0.0024%); highest among the groups gnomAD compares: Non-Finnish European, 0.0031%; no homozygotes.

Submissions (12):

Labcorp Genetics (formerly Invitae), Labcorp
Classification: Uncertain significance for Familial cancer of breast. Last evaluated: 2026-01-17. Review status: criteria provided, single submitter. Criteria: Invitae Variant Classification Sherloc (09022015). Collection method: clinical testing. Allele origin: germline.
Comment: This sequence change falls in intron 4 of the CHEK2 gene. It does not directly change the encoded amino acid sequence of the CHEK2 protein. It affects a nucleotide within the consensus splice site. This variant is present in population databases (rs375905418, gnomAD 0.004%). This variant has been observed in individual(s) with breast and/or ovarian cancer, or prostate cancer (PMID: 2936834, 32095738). ClinVar contains an entry for this variant (Variation ID: 186130). Variants that disrupt the consensus splice site are a relatively common cause of aberrant splicing (PMID: 17576681, 9536098). Studies have shown that this variant is associated with inconclusive levels of altered splicing (PMID: 37725924; internal data). In summary, the available evidence is currently insufficient to determine the role of this variant in disease. Therefore, it has been classified as a Variant of Uncertain Significance.

Quest Diagnostics Nichols Institute San Juan Capistrano
Classification: Uncertain significance. Last evaluated: 2025-02-20. Review status: criteria provided, single submitter. Criteria: Quest Diagnostics criteria. Collection method: clinical testing. Allele origin: unknown.
Comment: The CHEK2 c.592+4A>G variant has been reported in the published literature in individuals with breast cancer and ovarian cancer (PMID: 32095738 (2018)) and prostate cancer (PMID: 29368341 (2018)). Assessment of experimental evidence suggests this variant results in abnormal RNA splicing (PMID: 37725924 (2024)). The frequency of this variant in the general population (Genome Aggregation Database) is uninformative in the assessment of its pathogenicity. Analysis of this variant using software algorithms for the prediction of the effect of nucleotide changes on CHEK2 mRNA splicing yielded inconclusive findings. Based on the available information, we are unable to determine the clinical significance of this variant.

Ambry Genetics
Classification: Uncertain significance for Hereditary cancer-predisposing syndrome. Last evaluated: 2024-11-14. Review status: criteria provided, single submitter. Criteria: Ambry Variant Classification Scheme 2023. Collection method: clinical testing. Allele origin: germline.
Comment: The c.592+4A>G intronic variant results from an A to G substitution 4 nucleotides after coding exon 3 in the CHEK2 gene. This nucleotide position is highly conserved in available vertebrate species. This alteration was seen in a cohort of unselected patients with recurrent or metastatic prostate cancer (Isaacsson Velho P et al. Prostate, 2018 04;78:401-407). In silico splice site analysis predicts that this alteration will not have any significant effect on splicing. RNA studies have demonstrated that this alteration results in an incomplete splice defect involving exons excluded from naturally occurring transcripts; the clinical impact of this abnormal splicing is unknown at this time (Ambry internal data). Based on the available evidence, the clinical significance of this variant remains unclear.

Color Diagnostics, LLC DBA Color Health
Classification: Uncertain significance for Hereditary cancer-predisposing syndrome. Last evaluated: 2024-05-31. Review status: criteria provided, single submitter. Criteria: ACMG Guidelines, 2015. Collection method: clinical testing. Allele origin: germline.
Comment: This variant causes an A to G nucleotide substitution at the +4 position of intron 4 of the CHEK2 gene. A minigene RNA assay has shown that this variant has a leaky splice impact; producing 35% normal transcript and approximately 51% transcripts predicted to result in a premature termination codon (PMID: 37725924). This variant has been reported in an individual affected with breast and ovarian cancer (PMID: 32095738) and an individual affected with prostate cancer (PMID: 29368341). This variant has been identified in 2/282706 chromosomes in the general population by the Genome Aggregation Database (gnomAD). The available evidence is insufficient to determine the role of this variant in disease conclusively. Therefore, this variant is classified as a Variant of Uncertain Significance.

Molecular Pathology, Peter Maccallum Cancer Centre
Classification: Uncertain significance for Familial cancer of breast. Last evaluated: 2024-03-07. Review status: criteria provided, single submitter. Criteria: ACMG Guidelines, 2015. Collection method: clinical testing. Allele origin: germline. Inheritance: Autosomal dominant inheritance.

Fulgent Genetics
Classification: Uncertain significance for Familial prostate cancer; Bone osteosarcoma; CHEK2-related cancer predisposition. Last evaluated: 2024-03-06. Review status: criteria provided, single submitter. Criteria: ACMG Guidelines, 2015. Collection method: clinical testing. Allele origin: germline.

Baylor Genetics
Classification: Uncertain significance for Familial cancer of breast. Last evaluated: 2023-12-15. Review status: criteria provided, single submitter. Criteria: ACMG Guidelines, 2015. Collection method: clinical testing. Allele origin: unknown.

GeneDx
Classification: Uncertain significance. Last evaluated: 2023-09-27. Review status: criteria provided, single submitter. Criteria: GeneDx Variant Classification Process June 2021. Collection method: clinical testing. Allele origin: germline. Affected: yes.
Comment: Published functional studies demonstrate leaky splicing, with similar proportions of transcripts demonstrating exon skipping or no splice impact in a minigene assay (Sanoguera-Miralles et al., 2023); In silico analysis supports that this variant does not alter splicing; Not observed at significant frequency in large population cohorts (gnomAD); This variant is associated with the following publications: (PMID: 29368341, 2936834, 32095738, 37725924)

Myriad Genetics, Inc.
Classification: Uncertain significance for Familial cancer of breast. Last evaluated: 2023-06-07. Review status: criteria provided, single submitter. Criteria: Myriad Autosomal Dominant, Autosomal Recessive and X-Linked Classification Criteria (2023). Collection method: clinical testing. Allele origin: unknown.
Comment: This variant is classified as a variant of uncertain significance as there is insufficient evidence to determine its impact on protein function and/or cancer risk.

Women's Health and Genetics/Laboratory Corporation of America, LabCorp
Classification: Uncertain significance. Last evaluated: 2021-06-28. Review status: criteria provided, single submitter. Criteria: LabCorp Variant Classification Summary - May 2015. Collection method: clinical testing. Allele origin: germline.
Comment: Variant summary: CHEK2 c.592+4A>G alters a conserved nucleotide located close to a canonical splice site and therefore could affect mRNA splicing, leading to a significantly altered protein sequence. Several computational tools predict a significant impact on normal splicing: Two predict the variant weakens a 5' donor site. One predict the variant abolishes a 5' splicing donor site. However, these predictions have yet to be confirmed by functional studies. The variant allele was found at a frequency of 4e-06 in 251308 control chromosomes. The available data on variant occurrences in the general population are insufficient to allow any conclusion about variant significance. c.592+4A>G has been reported in the literature in individuals affected prostate cancer (Isaacsson Velho_2018) and breast/ovarian cancer (Bradbury_2018), without strong evidence for causality. These reports do not provide unequivocal conclusions about association of the variant with Hereditary Breast And Ovarian Cancer Syndrome. To our knowledge, no experimental evidence demonstrating an impact on protein function has been reported. Six clinical diagnostic laboratories have submitted clinical-significance assessments for this variant to ClinVar after 2014 without evidence for independent evaluation. All laboratories classified the variant as uncertain significance. Based on the evidence outlined above, the variant was classified as uncertain significance.

Counsyl
Classification: Uncertain significance for Familial cancer of breast. Last evaluated: 2017-08-15. Review status: no assertion criteria provided. Collection method: clinical testing. Allele origin: unknown. Not counted in ClinVar's aggregate classification.

Department of Pathology and Laboratory Medicine, Sinai Health System
Classification: Uncertain significance for Malignant tumor of breast. Review status: no assertion criteria provided. Collection method: clinical testing. Allele origin: unknown. Affected: yes. Study: The Canadian Open Genetics Repository (COGR). Not counted in ClinVar's aggregate classification.
Comment: The CHEK2 c.592+4A>G variant was not identified in the literature nor was it identified in the Zhejiang University Database. The variant was identified in dbSNP (ID: rs375905418) as "With Uncertain significance allele", and in ClinVar database (classified as uncertain significance by Ambry Genetics, Invitae, GeneDx, Color Genomics and Counsyl). The variant was identified in control databases in 5 of 277146 chromosomes at a frequency of 0.00002 (Genome Aggregation Database Feb 27, 2017). The variant was observed in the following populations: African in 1 of 24014 chromosomes (freq: 0.00004), European in 4 of 126666 chromosomes (freq: 0.00003); it was not observed in the Other, Latino, Ashkenazi Jewish, East Asian, Finnish, and South Asian populations. The c.592+4A>G variant is located in the 5' splice region but does not affect the invariant +1 and +2 positions. However, positions +3 to +6 are part of the splicing consensus sequence and variants involving these positions sometimes affect splicing. In addition, 2 of 4 in silico or computational prediction software programs (SpliceSiteFinder, MaxEntScan, NNSPLICE, GeneSplicer) predict a greater than 10% difference in splicing. In summary, based on the above information the clinical significance of this variant cannot be determined with certainty at this time. This variant is classified as a variant of uncertain significance.

Literature cited by the submitters: PubMed 2936834 (cited by Labcorp Genetics (formerly Invitae), Labcorp); PubMed 32095738 (cited by 4 submitters); PubMed 17576681 (cited by Labcorp Genetics (formerly Invitae), Labcorp); PubMed 9536098 (cited by Labcorp Genetics (formerly Invitae), Labcorp); PubMed 37725924 (cited by 3 submitters); PubMed 29368341 (cited by 4 submitters).

NM_007194.4(CHEK2):c.592+4A>G

Gene: CHEK2 (checkpoint kinase 2; minus strand). Cytogenetic location: 22q12.1.
Variant type: single nucleotide variant.
Coding change: c.592+4A>G on transcript NM_007194.4 (MANE Select); 4 bases into the intron after coding-DNA position 592, A replaced by G.
Molecular consequence: intron variant.
Genome position (GRCh38, 1-based): chr22:28,724,973, T>C on the plus strand (A>G on the coding strand, the complement: CHEK2 is on the minus strand). VCF-style: chr22-28724973-T-C. GRCh37 (hg19) VCF-style: chr22-29120961-T-C.
Other names: c.-72+4A>G (NM_001437942.1); c.445-50A>G (NM_001349956.3); c.592+4A>G (NM_145862.3); c.-186+4A>G (NM_001257387.3); c.685+4A>G (NM_001438295.1, NM_001438293.1); c.721+4A>G (NM_001438294.1, NM_001005735.3).
Identifiers: ClinVar variation 186130 (VCV000186130.37), dbSNP rs375905418, ClinGen allele CA193938.
Genomic context (GRCh38, chr22:28,724,973, plus strand): 5'-AAATTTTCCTCCTATGAGAGAGTGGAAAAAAAAAATTCCAGTAACCATAAGATAATAATA[T>C]TACCTTTATTTCTGCTTAGTGACAGTGCAATTTCAGAATTGTTATTCAAAGGACGGCGTT-3'